The following is an entry in ClinVar:

NM_001963.6(EGF):c.2073A>G (p.Ala691=)

Genes: EGF (epidermal growth factor; plus strand), LOC126807134 (BRD4-independent group 4 enhancer GRCh37_chr4:110900995-110902194; plus strand). Cytogenetic location: 4q25.
Variant type: single nucleotide variant.
Coding change: c.2073A>G on transcript NM_001963.6 (MANE Select); coding-DNA position 2073, A replaced by G.
Protein change: p.Ala691=; no amino-acid change (alanine 691 retained).
Molecular consequence: synonymous variant.
Genome position (GRCh38, 1-based): chr4:109,979,991, A>G. VCF-style: chr4-109979991-A-G. GRCh37 (hg19) VCF-style: chr4-110901147-A-G.
Other names: p.Ala691=; c.2073A>G, p.Ala691= (NM_001178130.3); c.1947A>G, p.Ala649= (NM_001178131.3, NM_001357021.2).
Identifiers: ClinVar variation 347242 (VCV000347242.17), dbSNP rs2302135, ClinGen allele CA3043872.

ClinVar aggregate classification (germline): Benign. Review status: criteria provided, multiple submitters, no conflicts (2 of 4 stars). 5 submissions from 5 submitters: Benign (5). Last evaluated 2026-02-03.

Conditions:
Renal hypomagnesemia 4. Also called: HYPOMAGNESEMIA, RENAL, NORMOCALCIURIC. Identifiers: Orphanet 34527, MedGen C2673648, MONDO:0012717, OMIM 611718.

Allele frequency attached by ClinVar (database versions not stated): gnomAD exomes 0.01834 and 0.04501; ESP Exome Variant Server 0.03145; gnomAD 0.03575 and 0.04075; TOPMed 0.04356; ExAC 0.04767; 1000 Genomes Project 30x 0.10259; 1000 Genomes Project 0.10603.
gnomAD v4.1: 33,571 of 1,613,934 alleles (2.1%); highest among the groups gnomAD compares: East Asian, 24%; 2,677 homozygotes.

Submissions (5):

Labcorp Genetics (formerly Invitae), Labcorp
Classification: Benign. Last evaluated: 2026-02-03. Review status: criteria provided, single submitter. Criteria: Invitae Variant Classification Sherloc (09022015). Collection method: clinical testing. Allele origin: germline.

Mayo Clinic Laboratories, Mayo Clinic
Classification: Benign. Last evaluated: 2023-04-03. Review status: criteria provided, single submitter. Criteria: ACMG Guidelines, 2015. Collection method: clinical testing. Allele origin: germline. Observed: 4 variant alleles.

GeneDx
Classification: Benign. Last evaluated: 2020-01-28. Review status: criteria provided, single submitter. Criteria: GeneDx Variant Classification Process June 2021. Collection method: clinical testing. Allele origin: germline. Affected: yes.

Illumina Laboratory Services, Illumina
Classification: Benign for Renal hypomagnesemia 4. Last evaluated: 2018-01-13. Review status: criteria provided, single submitter. Criteria: ICSL Variant Classification Criteria 13 December 2019. Collection method: clinical testing. Allele origin: germline.
Comment: This variant was observed in the ICSL laboratory as part of a predisposition screen in an ostensibly healthy population. It had not been previously curated by ICSL or reported in the Human Gene Mutation Database (HGMD: prior to June 1st, 2018), and was therefore a candidate for classification through an automated scoring system. Utilizing variant allele frequency, disease prevalence and penetrance estimates, and inheritance mode, an automated score was calculated to assess if this variant is too frequent to cause the disease. Based on the score and internal cut-off values, a variant classified as benign is not then subjected to further curation. The score for this variant resulted in a classification of benign for this disease.

Breakthrough Genomics
Classification: Benign. Review status: criteria provided, single submitter. Criteria: ACMG Guidelines, 2015. Collection method: not provided. Allele origin: germline. Inheritance: Autosomal recessive inheritance. Affected: yes.